The following is an entry in ClinVar:

ClinVar aggregate classification (germline): Uncertain significance (1 of 4 stars; one submission).

Conditions:
Aortic aneurysm, familial thoracic 7 (AAT7). Also called: AORTIC DISSECTION, FAMILIAL, WITH OR WITHOUT AORTIC ANEURYSM. Identifiers: MedGen C3151077, MONDO:0013418, OMIM 613780.

Submission:

Labcorp Genetics (formerly Invitae), Labcorp
Classification: Uncertain significance for Aortic aneurysm, familial thoracic 7. Last evaluated: 2025-01-06. Review status: criteria provided, single submitter. Criteria: Invitae Variant Classification Sherloc (09022015). Collection method: clinical testing. Allele origin: germline.
Comment: This sequence change replaces glycine, which is neutral and non-polar, with alanine, which is neutral and non-polar, at codon 1572 of the MYLK protein (p.Gly1572Ala). This variant is not present in population databases (gnomAD no frequency). This variant has not been reported in the literature in individuals affected with MYLK-related conditions. ClinVar contains an entry for this variant (Variation ID: 936749). Invitae Evidence Modeling of protein sequence and biophysical properties (such as structural, functional, and spatial information, amino acid conservation, physicochemical variation, residue mobility, and thermodynamic stability) indicates that this missense variant is not expected to disrupt MYLK protein function with a negative predictive value of 80%. In summary, the available evidence is currently insufficient to determine the role of this variant in disease. Therefore, it has been classified as a Variant of Uncertain Significance.

NM_053025.4(MYLK):c.4715G>C (p.Gly1572Ala)

Gene: MYLK (myosin light chain kinase; minus strand). Cytogenetic location: 3q21.1.
Variant type: single nucleotide variant.
Coding change: c.4715G>C on transcript NM_053025.4 (MANE Select); coding-DNA position 4715, G replaced by C.
Protein change: p.Gly1572Ala; replaces glycine 1572 with alanine.
Molecular consequence: missense variant.
Genome position (GRCh38, 1-based): chr3:123,640,409, C>G on the plus strand (G>C on the coding strand, the complement: MYLK is on the minus strand). VCF-style: chr3-123640409-C-G. GRCh37 (hg19) VCF-style: chr3-123359256-C-G.
Other names: c.4187G>C, p.Gly1396Ala (NM_001321309.2); c.4508G>C, p.Gly1503Ala (NM_053026.4, NM_053028.4); c.4715G>C, p.Gly1572Ala (NM_053027.4); short protein forms G1396A, G1572A, G1503A.
Identifiers: ClinVar variation 936749 (VCV000936749.9), dbSNP rs1060502534, ClinGen allele CA354226119.